The following is an entry in ClinVar:

NM_020928.2(ZSWIM6):c.2886C>T (p.Thr962=)

Gene: ZSWIM6 (zinc finger SWIM-type containing 6; plus strand). Cytogenetic location: 5q12.1.
Variant type: single nucleotide variant.
Coding change: c.2886C>T on transcript NM_020928.2 (MANE Select); coding-DNA position 2886, C replaced by T.
Protein change: p.Thr962=; no amino-acid change (threonine 962 retained).
Molecular consequence: synonymous variant.
Genome position (GRCh38, 1-based): chr5:61,543,555, C>T. VCF-style: chr5-61543555-C-T. GRCh37 (hg19) VCF-style: chr5-60839382-C-T.
Identifiers: ClinVar variation 5039790 (VCV005039790.1).

ClinVar aggregate classification (germline): Likely benign (1 of 4 stars; one submission).

gnomAD v4.1: 1 of 1,551,664 alleles (0.000064%); highest among the groups gnomAD compares: Non-Finnish European, 0.000087%; no homozygotes.

Submission:

CeGaT Center for Human Genetics Tuebingen
Classification: Likely benign. Last evaluated: 2026-07-01. Review status: criteria provided, single submitter. Criteria: CeGaT Center For Human Genetics Tuebingen Variant Classification Criteria Version 2. Collection method: clinical testing. Allele origin: germline. Affected: yes. Observed: 1 variant allele.
Comment: ZSWIM6: BP4, BP7